The following is an entry in ClinVar:

NM_001429.4(EP300):c.5729CTC[1] (p.Pro1911del)

Gene: EP300 (EP300 lysine acetyltransferase; plus strand). Cytogenetic location: 22q13.2.
Variant type: Microsatellite.
Coding change: c.5729CTC[1] on transcript NM_001429.4 (MANE Select); one copy of the 3-base unit CTC starting at c.5729; the reference has two copies in a row; one copy, 3 bases deleted.
Protein change: p.Pro1911del; deletes proline 1911.
Molecular consequence: inframe deletion.
Genome position (GRCh38, 1-based): chr22:41,177,443-41,177,445, CTC deleted; deleting any 3 consecutive bases within chr22:41,177,439-41,177,445 gives the same sequence; the position shown is the placement nearest the transcript's 3' end. VCF-style (leftmost placement, unchanged base first): chr22-41177438-CCCT-C. GRCh37 (hg19) VCF-style: chr22-41573442-CCCT-C.
Other names: c.5651CTC[1], p.Pro1885del (NM_001362843.2); c.5732_5734delCTC (NM_001429.3); short protein forms P1911del, P1885del.
Identifiers: ClinVar variation 2699782 (VCV002699782.4), dbSNP rs755668623, ClinGen allele CA10253701.

ClinVar aggregate classification (germline): Benign. Review status: criteria provided, single submitter (1 of 4 stars). 2 submissions from 2 submitters: Benign (1). 1 of the submissions does not count toward it. Last evaluated 2024-08-05.

Conditions:
Rubinstein-Taybi syndrome due to EP300 haploinsufficiency. Also called: RUBINSTEIN-TAYBI SYNDROME 2; EP300-Related Rubinstein-Taybi Syndrome. Identifiers: Orphanet 353284, Orphanet 783, MedGen C3150941, MONDO:0013364, OMIM 613684.
EP300-related disorder. Also called: EP300-related condition; EP300-related disorders.

Submissions (2):

Labcorp Genetics (formerly Invitae), Labcorp
Classification: Benign for Rubinstein-Taybi syndrome due to EP300 haploinsufficiency. Last evaluated: 2024-08-05. Review status: criteria provided, single submitter. Criteria: Invitae Variant Classification Sherloc (09022015). Collection method: clinical testing. Allele origin: germline.

PreventionGenetics, part of Exact Sciences
Classification: Uncertain significance for EP300-related condition. Last evaluated: 2024-03-22. Review status: no assertion criteria provided. Collection method: clinical testing. Allele origin: germline. Not counted in ClinVar's aggregate classification.
Comment: The EP300 c.5732_5734delCTC variant is predicted to result in an in-frame deletion (p.Pro1911del). To our knowledge, this variant has not been reported in the literature. This variant is reported in 0.032% of alleles in individuals of African descent in gnomAD. Although we suspect that this variant may be benign, at this time, the clinical significance of this variant is uncertain due to the absence of conclusive functional and genetic evidence.